The following is an entry in ClinVar:

ClinVar aggregate classification (germline): Likely pathogenic. Review status: reviewed by expert panel (3 of 4 stars). 14 submissions from 14 submitters: Likely pathogenic (1). 13 of the submissions do not count toward it. Last evaluated 2021-10-05.

Conditions:
Cardiovascular phenotype. Identifiers: MedGen CN230736.
Hypertrophic cardiomyopathy 1 (CMH1). Also called: Familial hypertrophic cardiomyopathy 1; MYH7-Related Familial Hypertrophic Cardiomyopathy. Identifiers: MedGen C3495498, MONDO:0008647, OMIM 192600.
Dilated cardiomyopathy 1S (CMD1S). Identifiers: Orphanet 154, Orphanet 54260, MedGen C1834481, MONDO:0013262, OMIM 613426.
Hypertrophic cardiomyopathy. Also called: HYPERTROPHIC MYOCARDIOPATHY. Identifiers: Orphanet 217569, MedGen C0007194, MeSH D002312, MONDO:0005045, HP:0001639.

Submissions 1 to 9 of 14:

ClinGen Cardiomyopathy Variant Curation Expert Panel
Classification: Likely pathogenic for Hypertrophic cardiomyopathy. Last evaluated: 2021-10-05. Review status: reviewed by expert panel. Criteria: ClinGen CMP ACMG Specifications v1. Collection method: curation. Allele origin: germline. Inheritance: Autosomal dominant inheritance.
Comment: The NM_000257.4: c.2539_2541del (p.Lys847del) variant in MYH7 has been reported in >15 individuals with HCM (PS4; Van Driest 2004 PMID:15358028; Santos 2012 PMID:22429680; Kassem 2013 PMID:23233322; Marsiglia 2013 PMID:24093860; Waldmuller 2008 PMID:18258667; Walsh 2017 PMID: 27532257; Ho 2018 PMID: 30297972; Jaaskelainen 2019 PMID: 30775854; LMM pers. comm.; Invitae pers. comm.). This variant segregated with disease in 3 affected individuals with HCM from 2 families(PP1; LMM pers. comm.). This variant was absent from large population studies (PM2; gnomAD v.2.1.1,,). This variant is a deletion of 1 amino acid at position 847 and is not predicted to alter the protein reading-frame. Given that only 1 amino acid has been deleted, the expert panel felt that adjusting to supporting evidence would be more appropriate in this case (PM4_Supporting). In summary, this variant meets criteria to be classified as likely pathogenic for hypertrophic cardiomyopathy in an autosomal dominant manner. MYH7-specific ACMG/AMP criteria applied (Kelly 2018 PMID:29300372): PS4; PP1; PM2; PM4_Supporting.

Labcorp Genetics (formerly Invitae), Labcorp
Classification: Pathogenic for Hypertrophic cardiomyopathy. Last evaluated: 2025-10-02. Review status: criteria provided, single submitter. Criteria: Invitae Variant Classification Sherloc (09022015). Collection method: clinical testing. Allele origin: germline. Not counted in ClinVar's aggregate classification.
Comment: This variant, c.2539_2541del, results in the deletion of 1 amino acid(s) of the MYH7 protein (p.Lys847del), but otherwise preserves the integrity of the reading frame. This variant is not present in population databases (gnomAD no frequency). This variant has been observed in individuals with hypertrophic cardiomyopathy (PMID: 15358028, 22429680, 22857948, 23233322, 23283745, 23782526, 24093860). ClinVar contains an entry for this variant (Variation ID: 42913). Experimental studies and prediction algorithms are not available or were not evaluated, and the functional significance of this variant is currently unknown. This variant disrupts the p.Lys847 amino acid residue in MYH7. Other variant(s) that disrupt this residue have been determined to be pathogenic (PMID: 20031618, 22857948, 23782526, 28615295). This suggests that this residue is clinically significant, and that variants that disrupt this residue are likely to be disease-causing. For these reasons, this variant has been classified as Pathogenic.

3billion
Classification: Pathogenic for Hypertrophic cardiomyopathy 1. Last evaluated: 2025-03-19. Review status: criteria provided, single submitter. Criteria: ACMG Guidelines, 2015. Collection method: clinical testing. Allele origin: germline. Affected: yes. Not counted in ClinVar's aggregate classification.
Comment: The variant is observed at an extremely low frequency in the gnomAD v4.1.0 dataset (total allele frequency: <0.001%). Predicted Consequence/Location: The variant is located in a mutational hot spot and/or well-established functional domain in which established pathogenic variants have been reported (PMID: 29300372). Inframe deletion located in a nonrepeat region: predicted to change the length of the protein and disrupt normal protein function. The variant has been observed in multiple (>3) similarly affected unrelated individuals (PMID: 15358028, 18258667, 22429680, 23233322, 24093860, 30297972). The variant has been reported multiple times as an established pathogenic variant (ClinVar ID: VCV000042913 / PMID: 15358028). Therefore, this variant is classified as Pathogenic according to the recommendation of ACMG/AMP guideline.

Dasa
Classification: Likely pathogenic. Last evaluated: 2025-02-03. Review status: criteria provided, single submitter. Criteria: DASA Assertion Criteria. Collection method: clinical testing. Allele origin: germline. Not counted in ClinVar's aggregate classification.
Comment: NM_000257.4(MYH7):c.2539_2541del (p.Lys847del) is an in-frame deletion predicted to remove lysine at protein position 847 without shifting the reading frame. This variant has been reported in individuals with MYH7-related disorders (PMID: 15358028). Segregation data support an association with disease in the reported family/families (PMID: 15358028). Also, this variant is rare in population databases. Based on the currently available evidence, this variant is classified as likely pathogenic.

All of Us Research Program, National Institutes of Health
Classification: Likely pathogenic for Hypertrophic cardiomyopathy. Last evaluated: 2023-12-15. Review status: criteria provided, single submitter. Criteria: ACMG Guidelines, 2015. Collection method: clinical testing. Allele origin: germline. Inheritance: Autosomal dominant inheritance. Observed: 1 variant allele, 1 heterozygote. Not counted in ClinVar's aggregate classification.
Comment: This variant is predicted to result in an in-frame deletion of one amino acid. This variant has been reported in multiple individuals with hypertrophic cardiomyopathy (PMID: 15358028, 22429680, 23233322, 24093860, 18258667, 27532257, 30297972, 30775854). This variant is absent from or rare in large population databases, including the Genome Aggregation Database. This variant has been reported to co-segregate with disease in 3 affected individuals in two families (communication with laboratory).

This study involves interpretation of variants in research participants for the purpose of population health screening. Participant phenotype was not available at the time of variant classification. Additional details can be found in publication PMID: 35346344, PMCID: PMC8962531

GeneDx
Classification: Likely pathogenic. Last evaluated: 2023-10-16. Review status: criteria provided, single submitter. Criteria: GeneDx Variant Classification Process June 2021. Collection method: clinical testing. Allele origin: germline. Affected: yes. Not counted in ClinVar's aggregate classification.
Comment: Not observed at significant frequency in large population cohorts (gnomAD); In silico analysis supports a deleterious effect on protein structure/function; This variant is associated with the following publications: (PMID: 15358028, 22857948, 22429680, 23549607, 25892673, 27483260, 18258667, 24510615, 23233322, 24093860, 27532257, 28214152, 23782526, 36243179, 32894683, 29300372, 23283745, 33673806, 30775854)

Ambry Genetics
Classification: Likely pathogenic for Cardiovascular phenotype. Last evaluated: 2020-07-02. Review status: criteria provided, single submitter. Criteria: Ambry Variant Classification Scheme 2023. Collection method: clinical testing. Allele origin: germline. Not counted in ClinVar's aggregate classification.
Comment: The c.2539_2541del variant (also known as p.K847del) is located in coding exon 20 of the MYH7 gene. This variant results from an in-frame AAG deletion at nucleotide positions 2539 to 2541. This results in the in-frame deletion of a lysine residue at codon 847 in the head domain of the MYH7 protein. This alteration has been detected in numerous individuals with hypertrophic cardiomyopathy, and it has been reported to segregate with disease in a few affected relatives (Van Driest SL et al. J. Am. Coll. Cardiol., 2004 Aug;44:602-10; Santos S et al. BMC Med. Genet., 2012 Mar;13:17; Kassem HSh et al. J Cardiovasc Transl Res, 2013 Feb;6:65-80; Marsiglia JD et al. Am. Heart J., 2013 Oct;166:775-82; N&uacute;&ntilde;ez L et al. Circ. J., 2013 Jun;77:2358-65; Zou Y et al. Mol. Biol. Rep., 2013 Jun;40:3969-76; Rubattu S et al. Int J Mol Sci, 2016 Jul;17:; Walsh R et al. Genet. Med., 2017 02;19:192-203; Ho CY et al. Circulation, 2018 10;138:1387-1398; Kelly MA et al. Genet. Med., 2018 03;20:351-359; J&auml;&auml;skel&auml;inen P et al. ESC Heart Fail, 2019 Apr;6:436-445). In addition, this amino acid position is highly conserved in available vertebrate species. Based on the majority of available evidence to date, this variant is likely to be pathogenic.

Revvity Omics, Revvity
Classification: Likely pathogenic. Last evaluated: 2020-05-20. Review status: criteria provided, single submitter. Criteria: ACMG Guidelines, 2015. Collection method: clinical testing. Allele origin: germline. Not counted in ClinVar's aggregate classification.

Center of Genomic medicine, Geneva, University Hospital of Geneva
Classification: Likely pathogenic for Hypertrophic cardiomyopathy. Last evaluated: 2019-02-20. Review status: criteria provided, single submitter. Criteria: ACMG Guidelines, 2015. Collection method: clinical testing. Allele origin: maternal. Affected: yes. Observed: 3 variant alleles. Not counted in ClinVar's aggregate classification.

NM_000257.4(MYH7):c.2539_2541del (p.Lys847del)

Genes: MYH7 (myosin heavy chain 7; minus strand), LOC126861898 (BRD4-independent group 4 enhancer GRCh37_chr14:23893609-23894808; plus strand). Cytogenetic location: 14q11.2.
Variant type: Deletion.
Coding change: c.2539_2541del on transcript NM_000257.4 (MANE Select); coding-DNA positions 2539 to 2541, 3 bases deleted (AAG; older notation c.2539_2541delAAG).
Protein change: p.Lys847del; deletes lysine 847.
Molecular consequence: inframe deletion.
Genome position (GRCh38, 1-based): chr14:23,424,907-23,424,909, CTT deleted on the plus strand (AAG on the coding strand, the reverse complement: MYH7 is on the minus strand); deleting any 3 consecutive bases within chr14:23,424,907-23,424,911 gives the same sequence; the c. name uses the placement nearest the transcript's 3' end. VCF-style (leftmost placement, unchanged base first): chr14-23424906-CCTT-C. GRCh37 (hg19) VCF-style: chr14-23894115-CCTT-C.
Other names: NM_000257.3(MYH7):c.2539_2541delAAG; c.2539_2541del (LRG_384t1, NM_000257.3); short protein forms K847del.
Identifiers: ClinVar variation 42913 (VCV000042913.34), dbSNP rs397516155, ClinGen allele CA012568.